The following is an entry in ClinVar:

ClinVar aggregate classification (germline): Uncertain significance (1 of 4 stars; one submission).

Conditions:
Intellectual developmental disorder, autosomal dominant 51. Also called: MENTAL RETARDATION, AUTOSOMAL DOMINANT 51; Intellectual disability, autosomal dominant 51. Identifiers: Orphanet 684226, MedGen C4540474, MONDO:0030917, OMIM 617788.

Submission:

MVZ Medizinische Genetik Mainz
Classification: Uncertain significance for Intellectual developmental disorder, autosomal dominant 51. Last evaluated: 2025-08-25. Review status: criteria provided, single submitter. Criteria: UK Practice Guidelines For Variant Classification V4 01 2020. Collection method: clinical testing. Allele origin: germline. Inheritance: Autosomal dominant inheritance. Observed: 1 variant allele.
Comment: ACMG Criteria: PM2_SUP,PP2

NM_017635.5(KMT5B):c.451G>A (p.Glu151Lys)

Gene: KMT5B (lysine methyltransferase 5B; minus strand). Cytogenetic location: 11q13.2.
Variant type: single nucleotide variant.
Coding change: c.451G>A on transcript NM_017635.5 (MANE Select); coding-DNA position 451, G replaced by A.
Protein change: p.Glu151Lys; replaces glutamic acid 151 with lysine.
Molecular consequence: missense variant. On other transcripts: 5 prime UTR variant (9), non-coding transcript variant (3).
Genome position (GRCh38, 1-based): chr11:68,175,110, C>T on the plus strand (G>A on the coding strand, the complement: KMT5B is on the minus strand). VCF-style: chr11-68175110-C-T. GRCh37 (hg19) VCF-style: chr11-67942577-C-T.
Other names: c.-66G>A (NM_001300907.1, NM_001369424.1, NM_001369428.1 and 5 more transcripts); c.-217G>A (NM_001300908.2); c.382G>A, p.Glu128Lys (NM_001300909.2); c.451G>A, p.Glu151Lys (NM_001363566.2, NM_001369426.1, NM_001369427.1 and 1 more transcripts); c.238G>A, p.Glu80Lys (NM_001369425.1); short protein forms E128K, E151K, E80K.
Identifiers: ClinVar variation 4277276 (VCV004277276.1).